The following is an entry in ClinVar:

ClinVar aggregate classification (germline): Uncertain significance (1 of 4 stars; one submission).

Conditions:
Developmental and epileptic encephalopathy, 27 (DEE27). Also called: Epileptic encephalopathy, early infantile, 27; GRIN2B-Related Neurodevelopmental Disorder. Identifiers: Orphanet 3451, MedGen C4015316, MONDO:0014505, OMIM 616139.
Intellectual developmental disorder, autosomal dominant 6, with or without seizures. Also called: Intellectual disability, autosomal dominant 6; GRIN2B-related developmental delay, intellectual disability and autism spectrum disorder. Identifiers: Orphanet 589547, MedGen C3151411, MONDO:0013509, OMIM 613970.

Submission:

Labcorp Genetics (formerly Invitae), Labcorp
Classification: Uncertain significance for Developmental and epileptic encephalopathy, 27; Intellectual developmental disorder, autosomal dominant 6, with or without seizures. Last evaluated: 2024-11-03. Review status: criteria provided, single submitter. Criteria: Invitae Variant Classification Sherloc (09022015). Collection method: clinical testing. Allele origin: germline.
Comment: This sequence change replaces glutamic acid, which is acidic and polar, with glutamine, which is neutral and polar, at codon 967 of the GRIN2B protein (p.Glu967Gln). This variant is not present in population databases (gnomAD no frequency). This variant has not been reported in the literature in individuals affected with GRIN2B-related conditions. Invitae Evidence Modeling of protein sequence and biophysical properties (such as structural, functional, and spatial information, amino acid conservation, physicochemical variation, residue mobility, and thermodynamic stability) indicates that this missense variant is not expected to disrupt GRIN2B protein function with a negative predictive value of 95%. In summary, the available evidence is currently insufficient to determine the role of this variant in disease. Therefore, it has been classified as a Variant of Uncertain Significance.

NM_000834.5(GRIN2B):c.2899G>C (p.Glu967Gln)

Gene: GRIN2B (glutamate ionotropic receptor NMDA type subunit 2B; minus strand). Cytogenetic location: 12p13.1.
Variant type: single nucleotide variant.
Coding change: c.2899G>C on transcript NM_000834.5 (MANE Select); coding-DNA position 2899, G replaced by C.
Protein change: p.Glu967Gln; replaces glutamic acid 967 with glutamine.
Molecular consequence: missense variant.
Genome position (GRCh38, 1-based): chr12:13,564,339, C>G on the plus strand (G>C on the coding strand, the complement: GRIN2B is on the minus strand). VCF-style: chr12-13564339-C-G. GRCh37 (hg19) VCF-style: chr12-13717273-C-G.
Other names: c.2899G>C, p.Glu967Gln (NM_001413992.1); short protein forms E967Q.
Identifiers: ClinVar variation 3753854 (VCV003753854.2).